The following is an entry in ClinVar:

NM_000944.5(PPP3CA):c.689T>C (p.Ile230Thr)

Gene: PPP3CA (protein phosphatase 3 catalytic subunit alpha; minus strand). Cytogenetic location: 4q24.
Variant type: single nucleotide variant.
Coding change: c.689T>C on transcript NM_000944.5 (MANE Select); coding-DNA position 689, T replaced by C.
Protein change: p.Ile230Thr; replaces isoleucine 230 with threonine.
Molecular consequence: missense variant.
Genome position (GRCh38, 1-based): chr4:101,093,869, A>G on the plus strand (T>C on the coding strand, the complement: PPP3CA is on the minus strand). VCF-style: chr4-101093869-A-G. GRCh37 (hg19) VCF-style: chr4-102015026-A-G.
Other names: c.689T>C, p.Ile230Thr (NM_001130691.2, NM_001130692.2); short protein forms I230T.
Identifiers: ClinVar variation 2998843 (VCV002998843.3), dbSNP rs2475915871, ClinGen allele CA357949288.

ClinVar aggregate classification (germline): Uncertain significance (1 of 4 stars; one submission).

Submission:

Labcorp Genetics (formerly Invitae), Labcorp
Classification: Uncertain significance. Last evaluated: 2023-04-06. Review status: criteria provided, single submitter. Criteria: Invitae Variant Classification Sherloc (09022015). Collection method: clinical testing. Allele origin: germline.
Comment: This sequence change replaces isoleucine, which is neutral and non-polar, with threonine, which is neutral and polar, at codon 230 of the PPP3CA protein (p.Ile230Thr). This variant is not present in population databases (gnomAD no frequency). This variant has not been reported in the literature in individuals affected with PPP3CA-related conditions. Advanced modeling of protein sequence and biophysical properties (such as structural, functional, and spatial information, amino acid conservation, physicochemical variation, residue mobility, and thermodynamic stability) performed at Invitae indicates that this missense variant is not expected to disrupt PPP3CA protein function. In summary, the available evidence is currently insufficient to determine the role of this variant in disease. Therefore, it has been classified as a Variant of Uncertain Significance.